The following is an entry in ClinVar:

ClinVar aggregate classification (germline): Uncertain significance (1 of 4 stars; one submission).

Allele frequency attached by ClinVar (database versions not stated): gnomAD exomes below 0.00001; gnomAD 0.00001.
gnomAD v4.1: 1 of 1,613,806 alleles (0.000062%); highest among the groups gnomAD compares: African/African-American, 0.0013%; no homozygotes.

Submission:

Labcorp Genetics (formerly Invitae), Labcorp
Classification: Uncertain significance. Last evaluated: 2024-10-29. Review status: criteria provided, single submitter. Criteria: Invitae Variant Classification Sherloc (09022015). Collection method: clinical testing. Allele origin: germline.
Comment: This sequence change replaces asparagine, which is neutral and polar, with lysine, which is basic and polar, at codon 281 of the GRM6 protein (p.Asn281Lys). This variant is present in population databases (no rsID available, gnomAD 0.007%). This variant has not been reported in the literature in individuals affected with GRM6-related conditions. ClinVar contains an entry for this variant (Variation ID: 1427500). Invitae Evidence Modeling of protein sequence and biophysical properties (such as structural, functional, and spatial information, amino acid conservation, physicochemical variation, residue mobility, and thermodynamic stability) indicates that this missense variant is not expected to disrupt GRM6 protein function with a negative predictive value of 95%. In summary, the available evidence is currently insufficient to determine the role of this variant in disease. Therefore, it has been classified as a Variant of Uncertain Significance.

NM_000843.4(GRM6):c.843T>A (p.Asn281Lys)

Gene: GRM6 (glutamate metabotropic receptor 6; minus strand). Cytogenetic location: 5q35.3.
Variant type: single nucleotide variant.
Coding change: c.843T>A on transcript NM_000843.4 (MANE Select); coding-DNA position 843, T replaced by A.
Protein change: p.Asn281Lys; replaces asparagine 281 with lysine.
Molecular consequence: missense variant.
Genome position (GRCh38, 1-based): chr5:178,991,438, A>T on the plus strand (T>A on the coding strand, the complement: GRM6 is on the minus strand). VCF-style: chr5-178991438-A-T. GRCh37 (hg19) VCF-style: chr5-178418439-A-T.
Other names: short protein forms N281K.
Identifiers: ClinVar variation 1427500 (VCV001427500.6), dbSNP rs1254582917, ClinGen allele CA362432764.